The following is an entry in ClinVar:

NM_015512.5(DNAH1):c.8782C>T (p.Arg2928Cys)

Gene: DNAH1 (dynein axonemal heavy chain 1; plus strand). Cytogenetic location: 3p21.1.
Variant type: single nucleotide variant.
Coding change: c.8782C>T on transcript NM_015512.5 (MANE Select); coding-DNA position 8782, C replaced by T.
Protein change: p.Arg2928Cys; replaces arginine 2928 with cysteine.
Molecular consequence: missense variant.
Genome position (GRCh38, 1-based): chr3:52,386,316, C>T. VCF-style: chr3-52386316-C-T. GRCh37 (hg19) VCF-style: chr3-52420332-C-T.
Other names: short protein forms R2928C.
Identifiers: ClinVar variation 1419182 (VCV001419182.6), dbSNP rs772814823, ClinGen allele CA2435316.

ClinVar aggregate classification (germline): Uncertain significance (1 of 4 stars; one submission).

Conditions:
Spermatogenic failure 18. Identifiers: MedGen C4539783, MONDO:0054615, OMIM 617576.
Ciliary dyskinesia, primary, 37 (CILD37). Also called: CILIARY DYSKINESIA, PRIMARY, 37, WITH OR WITHOUT SITUS INVERSUS. Identifiers: MedGen C4539798, MONDO:0033204, OMIM 617577.

gnomAD v4.1: 11 of 1,592,374 alleles (0.00069%); highest among the groups gnomAD compares: South Asian, 0.0057%; no homozygotes.

Submission:

Labcorp Genetics (formerly Invitae), Labcorp
Classification: Uncertain significance for Ciliary dyskinesia, primary, 37; Spermatogenic failure 18. Last evaluated: 2021-02-17. Review status: criteria provided, single submitter. Criteria: Invitae Variant Classification Sherloc (09022015). Collection method: clinical testing. Allele origin: germline.
Comment: In summary, the available evidence is currently insufficient to determine the role of this variant in disease. Therefore, it has been classified as a Variant of Uncertain Significance. Algorithms developed to predict the effect of missense changes on protein structure and function are either unavailable or do not agree on the potential impact of this missense change (SIFT: "Deleterious"; PolyPhen-2: "Possibly Damaging"; Align-GVGD: "Class C0"). This variant has not been reported in the literature in individuals with DNAH1-related conditions. This variant is present in population databases (rs772814823, ExAC 0.04%). This sequence change replaces arginine with cysteine at codon 2928 of the DNAH1 protein (p.Arg2928Cys). The arginine residue is highly conserved and there is a large physicochemical difference between arginine and cysteine.